The following is an entry in ClinVar:

NM_198282.4(STING1):c.877C>T (p.Arg293Trp)

Gene: STING1 (stimulator of interferon response cGAMP interactor 1; minus strand). Cytogenetic location: 5q31.2.
Variant type: single nucleotide variant.
Coding change: c.877C>T on transcript NM_198282.4 (MANE Select); coding-DNA position 877, C replaced by T.
Protein change: p.Arg293Trp; replaces arginine 293 with tryptophan.
Molecular consequence: missense variant. On other transcripts: intron variant (1).
Genome position (GRCh38, 1-based): chr5:139,477,398, G>A on the plus strand (C>T on the coding strand, the complement: STING1 is on the minus strand). VCF-style: chr5-139477398-G-A. GRCh37 (hg19) VCF-style: chr5-138856983-G-A.
Other names: c.520C>T, p.Arg174Trp (NM_001367258.1); c.759+872C>T (NM_001301738.2); c.877C>T (NM_198282.2); short protein forms R174W, R293W.
Identifiers: ClinVar variation 1694189 (VCV001694189.6), dbSNP rs756770138, ClinGen allele CA3435297.
Genomic context (GRCh38, chr5:139,477,398, plus strand): 5'-CAATGAGGCGGCAGTTGTTCTGAGACTCAGGGGCATCTGCCAGGATGTCCTCAAGTGTCC[G>A]GCAGAAGAGTTTGGCCTGCTCAAGCCTATCCTCCCGGCTAAAGCCAGCTTGACTGTATTG-3'
Protein context (NP_938023.1, residues 283-303): DRLEQAKLFC[Arg293Trp]TLEDILADAP

ClinVar aggregate classification (germline): Conflicting classifications of pathogenicity. Review status: criteria provided, conflicting classifications (1 of 4 stars). 3 submissions from 3 submitters: Uncertain significance (2); Likely benign (1). Last evaluated 2025-10-07.

Conditions:
Inborn genetic diseases. Identifiers: MedGen C0950123, MeSH D030342.
Autoinflammatory syndrome. Identifiers: Orphanet 93665, MedGen C3890737, MONDO:0019751.

Allele frequency attached by ClinVar (database versions not stated): gnomAD 0.00001; ExAC 0.00002; gnomAD exomes 0.00001.

Submissions (3):

Ambry Genetics
Classification: Uncertain significance for Inborn genetic diseases. Last evaluated: 2025-10-07. Review status: criteria provided, single submitter. Criteria: Ambry Variant Classification Scheme 2023. Collection method: clinical testing. Allele origin: germline.

GeneDx
Classification: Uncertain significance. Last evaluated: 2025-05-05. Review status: criteria provided, single submitter. Criteria: GeneDx Variant Classification Process June 2021. Collection method: clinical testing. Allele origin: germline.
Comment: Not observed at significant frequency in large population cohorts (gnomAD); In silico analysis supports that this missense variant has a deleterious effect on protein structure/function; Has not been previously published as pathogenic or benign to our knowledge

Genome Diagnostics Laboratory, The Hospital for Sick Children
Classification: Likely benign for Autoinflammatory syndrome. Last evaluated: 2021-12-20. Review status: criteria provided, single submitter. Criteria: ACMG Guidelines, 2015. Collection method: clinical testing. Allele origin: germline. Affected: yes.